The following is an entry in ClinVar:

NM_206933.4(USH2A):c.9739+1G>C

Gene: USH2A (usherin; minus strand). Cytogenetic location: 1q41.
Variant type: single nucleotide variant.
Coding change: c.9739+1G>C on transcript NM_206933.4 (MANE Select); the canonical splice donor site of the intron after coding-DNA position 9739, G replaced by C.
Molecular consequence: splice donor variant.
Genome position (GRCh38, 1-based): chr1:215,813,735, C>G on the plus strand (G>C on the coding strand, the complement: USH2A is on the minus strand). VCF-style: chr1-215813735-C-G. GRCh37 (hg19) VCF-style: chr1-215987077-C-G.
Identifiers: ClinVar variation 1068436 (VCV001068436.9), dbSNP rs2102792994, ClinGen allele CA344821233.

ClinVar aggregate classification (germline): Likely pathogenic. Review status: criteria provided, multiple submitters, no conflicts (2 of 4 stars). 3 submissions from 3 submitters: Likely pathogenic (2). 1 of the submissions does not count toward it. Last evaluated 2025-06-17.

Conditions:
USH2A-related disorder. Also called: USH2A-related disorders; USH2A-related condition. Identifiers: MedGen CN239332.
Usher syndrome type 2A. Also called: RETINAL DISEASE IN USHER SYNDROME TYPE IIA, MODIFIER OF; USHER SYNDROME, TYPE IIA. Identifiers: Orphanet 231178, Orphanet 886, MedGen C1848634, MONDO:0010169, OMIM 276901.

Submissions (3):

Myriad Genetics, Inc.
Classification: Likely pathogenic for USH2A-related disorder. Last evaluated: 2025-06-17. Review status: criteria provided, single submitter. Criteria: Myriad Autosomal Dominant, Autosomal Recessive and X-Linked Classification Criteria (2023). Collection method: clinical testing. Allele origin: unknown.
Comment: NM_206933.2(USH2A):c.9739+1G>C is a variant in a canonical splice site classified as likely pathogenic in the context of USH2A-related disorders. c.9739+1G>C has not been observed in cases with relevant disease. Relevant functional assessments of this variant are not available in the literature. c.9739+1G>C has not been observed in referenced population frequency databases. In summary, NM_206933.2(USH2A):c.9739+1G>C is a variant in a canonical splice site in a gene where loss of function is a known mechanism of disease and is predicted to disrupt protein function. Please note: this variant was assessed in the context of healthy population screening.

Labcorp Genetics (formerly Invitae), Labcorp
Classification: Likely pathogenic. Last evaluated: 2022-09-30. Review status: criteria provided, single submitter. Criteria: Invitae Variant Classification Sherloc (09022015). Collection method: clinical testing. Allele origin: germline.
Comment: This variant is not present in population databases (gnomAD no frequency). This sequence change affects a donor splice site in intron 49 of the USH2A gene. It is expected to disrupt RNA splicing. Variants that disrupt the donor or acceptor splice site typically lead to a loss of protein function (PMID: 16199547), and loss-of-function variants in USH2A are known to be pathogenic (PMID: 10729113, 10909849, 20507924, 25649381). This variant has not been reported in the literature in individuals affected with USH2A-related conditions. In summary, the currently available evidence indicates that the variant is pathogenic, but additional data are needed to prove that conclusively. Therefore, this variant has been classified as Likely Pathogenic. Algorithms developed to predict the effect of sequence changes on RNA splicing suggest that this variant may disrupt the consensus splice site. ClinVar contains an entry for this variant (Variation ID: 1068436).

Natera, Inc.
Classification: Likely pathogenic for Usher syndrome type 2A. Last evaluated: 2020-11-25. Review status: no assertion criteria provided. Collection method: clinical testing. Allele origin: germline. Not counted in ClinVar's aggregate classification.

Literature cited by the submitters: PubMed 16199547 (cited by Labcorp Genetics (formerly Invitae), Labcorp); PubMed 10729113 (cited by Labcorp Genetics (formerly Invitae), Labcorp); PubMed 10909849 (cited by Labcorp Genetics (formerly Invitae), Labcorp); PubMed 20507924 (cited by Labcorp Genetics (formerly Invitae), Labcorp); PubMed 25649381 (cited by Labcorp Genetics (formerly Invitae), Labcorp).